The following is an entry in ClinVar:

NM_015021.3(ZNF292):c.2563T>C (p.Ser855Pro)

Gene: ZNF292 (zinc finger protein 292; plus strand). Cytogenetic location: 6q14.3.
Variant type: single nucleotide variant.
Coding change: c.2563T>C on transcript NM_015021.3 (MANE Select); coding-DNA position 2563, T replaced by C.
Protein change: p.Ser855Pro; replaces serine 855 with proline.
Molecular consequence: missense variant.
Genome position (GRCh38, 1-based): chr6:87,256,192, T>C. VCF-style: chr6-87256192-T-C. GRCh37 (hg19) VCF-style: chr6-87965910-T-C.
Other names: c.2143T>C, p.Ser715Pro (NM_001351444.2); short protein forms S715P, S855P.
Identifiers: ClinVar variation 4538081 (VCV004538081.1).
Genomic context (GRCh38, chr6:87,256,192, plus strand): 5'-CCTGAAAAAGTGCTGCCTCCTGAAGCCCAACTTAATTCATCTGGAGATTCCATTCAGCCT[T>C]CTGAAGTGAATCAGAACACAGCAGAGAATATTGAGAAAGAAAGATCTATGCTTCCTTCAG-3'
Protein context (NP_055836.1, residues 845-865): LNSSGDSIQP[Ser855Pro]EVNQNTAENI

ClinVar aggregate classification (germline): Uncertain significance (1 of 4 stars; one submission).

Submission:

GeneDx
Classification: Uncertain significance. Last evaluated: 2025-06-11. Review status: criteria provided, single submitter. Criteria: GeneDx Variant Classification Process June 2021. Collection method: clinical testing. Allele origin: germline. Affected: yes.
Comment: Not observed at significant frequency in large population cohorts (gnomAD); In silico analysis suggests that this missense variant does not alter protein structure/function; Has not been previously published as pathogenic or benign to our knowledge